The following is an entry in ClinVar:

NM_000429.3(MAT1A):c.705C>A (p.Tyr235Ter)

Gene: MAT1A (methionine adenosyltransferase 1A; minus strand). Cytogenetic location: 10q22.3.
Variant type: single nucleotide variant.
Coding change: c.705C>A on transcript NM_000429.3 (MANE Select); coding-DNA position 705, C replaced by A.
Protein change: p.Tyr235Ter; replaces tyrosine 235 with a stop codon.
Molecular consequence: nonsense.
Genome position (GRCh38, 1-based): chr10:80,276,439, G>T on the plus strand (C>A on the coding strand, the complement: MAT1A is on the minus strand). VCF-style: chr10-80276439-G-T. GRCh37 (hg19) VCF-style: chr10-82036195-G-T.
Other names: short protein forms Y235*.
Identifiers: ClinVar variation 2005287 (VCV002005287.4), dbSNP rs372757656, ClinGen allele CA377361860.

ClinVar aggregate classification (germline): Pathogenic (1 of 4 stars; one submission).

Conditions:
Hepatic methionine adenosyltransferase deficiency. Also called: Methionine adenosyltransferase deficiency; MAT I/III DEFICIENCY; Isolated Persistent Hypermethioninemia; Deficiency of methionine adenosyltransferase. Identifiers: Orphanet 168598, MedGen C0268621, MeSH C564683, MONDO:0009607, OMIM 250850.

Submission:

Labcorp Genetics (formerly Invitae), Labcorp
Classification: Pathogenic for Hepatic methionine adenosyltransferase deficiency. Last evaluated: 2024-02-23. Review status: criteria provided, single submitter. Criteria: Invitae Variant Classification Sherloc (09022015). Collection method: clinical testing. Allele origin: germline.
Comment: This sequence change creates a premature translational stop signal (p.Tyr235*) in the MAT1A gene. It is expected to result in an absent or disrupted protein product. Loss-of-function variants in MAT1A are known to be pathogenic (PMID: 20675163, 24231718). This variant is not present in population databases (gnomAD no frequency). This variant has not been reported in the literature in individuals affected with MAT1A-related conditions. ClinVar contains an entry for this variant (Variation ID: 2005287). For these reasons, this variant has been classified as Pathogenic.

Literature cited by the submitters: PubMed 20675163; PubMed 24231718.